The following is an entry in ClinVar:

ClinVar aggregate classification (germline): Likely benign. Review status: criteria provided, multiple submitters, no conflicts (2 of 4 stars). 2 submissions from 2 submitters: Likely benign (2). Last evaluated 2025-11-02.

Conditions:
LAMA2-related muscular dystrophy (LAMA2-RD). Also called: Laminin alpha 2-related dystrophy. Identifiers: MedGen C5679788, MONDO:0100228.

Allele frequency attached by ClinVar (database versions not stated): TOPMed 0.00001.
gnomAD v4.1: 1 of 1,614,068 alleles (0.000062%); no homozygotes.

Submissions (2):

Mayo Clinic Laboratories, Mayo Clinic
Classification: Likely benign. Last evaluated: 2025-11-02. Review status: criteria provided, single submitter. Criteria: ACMG Guidelines, 2015. Collection method: clinical testing. Allele origin: germline. Observed: 1 variant allele.
Comment: BP4, BP7

Labcorp Genetics (formerly Invitae), Labcorp
Classification: Likely benign for LAMA2-related muscular dystrophy. Last evaluated: 2024-10-18. Review status: criteria provided, single submitter. Criteria: Invitae Variant Classification Sherloc (09022015). Collection method: clinical testing. Allele origin: germline.

NM_000426.4(LAMA2):c.219C>G (p.Val73=)

Gene: LAMA2 (laminin subunit alpha 2; plus strand). Cytogenetic location: 6q22.33.
Variant type: single nucleotide variant.
Coding change: c.219C>G on transcript NM_000426.4 (MANE Select); coding-DNA position 219, C replaced by G.
Protein change: p.Val73=; no amino-acid change (valine 73 retained).
Molecular consequence: synonymous variant.
Genome position (GRCh38, 1-based): chr6:129,050,024, C>G. VCF-style: chr6-129050024-C-G. GRCh37 (hg19) VCF-style: chr6-129371169-C-G.
Other names: p.Val73=; c.219C>G, p.Val73= (NM_001079823.2).
Identifiers: ClinVar variation 477449 (VCV000477449.10), dbSNP rs767540192, ClinGen allele CA451953181.